The following is an entry in ClinVar:

ClinVar aggregate classification (germline): Uncertain significance. Review status: criteria provided, multiple submitters, no conflicts (2 of 4 stars). 3 submissions from 3 submitters: Uncertain significance (3). Last evaluated 2026-05-08.

Conditions:
Hereditary cancer-predisposing syndrome. Also called: Hereditary Cancer Syndrome; Neoplastic Syndromes, Hereditary; Tumor predisposition; Hereditary neoplastic syndrome. Identifiers: Orphanet 140162, MedGen C0027672, MeSH D009386, MONDO:0015356.
Cardiovascular phenotype. Identifiers: MedGen CN230736.

Submissions (3):

Ambry Genetics
Classification: Uncertain significance for Cardiovascular phenotype; Hereditary cancer-predisposing syndrome. Last evaluated: 2026-05-08. Review status: criteria provided, single submitter. Criteria: Ambry Variant Classification Scheme 2023. Collection method: clinical testing. Allele origin: germline.
Comment: The p.R1325G variant (also known as c.3973A>G), located in coding exon 29 of the NF1 gene, results from an A to G substitution at nucleotide position 3973. The arginine at codon 1325 is replaced by glycine, an amino acid with dissimilar properties. This variant was reported in individual(s) with features consistent with neurofibromatosis type 1 (Lee MJ et al. Hum Mutat, 2006 Aug;27:832). This amino acid position is highly conserved in available vertebrate species. In addition, this alteration is predicted to be deleterious by in silico analysis. Based on the available evidence, the clinical significance of this variant remains unclear.

Blueprint Genetics
Classification: Uncertain significance. Last evaluated: 2024-06-18. Review status: criteria provided, single submitter. Criteria: ACMG Guidelines, 2015. Collection method: clinical testing. Allele origin: germline.

GeneDx
Classification: Uncertain significance. Last evaluated: 2020-07-29. Review status: criteria provided, single submitter. Criteria: GeneDx Variant Classification Process June 2021. Collection method: clinical testing. Allele origin: germline. Affected: yes.
Comment: Observed in an individual referred for NF1 analysis (Lee 2006); Protein-based in silico analysis supports a deleterious effect. In addition, multiple splicing models predict that this variant may destroy/damage the nearby natural splice site.; Not observed in large population cohorts (Lek 2016); This variant is associated with the following publications: (PMID: 24803665, 16835897, 22807134, 25486365)

Literature cited by the submitters: PubMed 16835897 (cited by Ambry Genetics).

NM_001042492.3(NF1):c.3973A>G (p.Arg1325Gly)

Gene: NF1 (neurofibromin 1; plus strand). Cytogenetic location: 17q11.2.
Variant type: single nucleotide variant.
Coding change: c.3973A>G on transcript NM_001042492.3 (MANE Select); coding-DNA position 3973, A replaced by G.
Protein change: p.Arg1325Gly; replaces arginine 1325 with glycine.
Molecular consequence: missense variant.
Genome position (GRCh38, 1-based): chr17:31,236,020, A>G. VCF-style: chr17-31236020-A-G. GRCh37 (hg19) VCF-style: chr17-29563038-A-G.
Other names: c.3973A>G, p.Arg1325Gly (NM_000267.4); short protein forms R1325G.
Identifiers: ClinVar variation 1317303 (VCV001317303.4), dbSNP rs2151438704, ClinGen allele CA398993350.